The following is an entry in ClinVar:

NM_000088.4(COL1A1):c.374C>G (p.Pro125Arg)

Gene: COL1A1 (collagen type I alpha 1 chain; minus strand). Cytogenetic location: 17q21.33.
Variant type: single nucleotide variant.
Coding change: c.374C>G on transcript NM_000088.4 (MANE Select); coding-DNA position 374, C replaced by G.
Protein change: p.Pro125Arg; replaces proline 125 with arginine.
Molecular consequence: missense variant.
Genome position (GRCh38, 1-based): chr17:50,199,323, G>C on the plus strand (C>G on the coding strand, the complement: COL1A1 is on the minus strand). VCF-style: chr17-50199323-G-C. GRCh37 (hg19) VCF-style: chr17-48276684-G-C.
Other names: short protein forms P125R.
Identifiers: ClinVar variation 4879287 (VCV004879287.1).

ClinVar aggregate classification (germline): Uncertain significance (1 of 4 stars; one submission).

Conditions:
Infantile cortical hyperostosis. Also called: Caffey Disease; P1PK BLOOD GROUP SYSTEM, P(2) PHENOTYPE; Hyperostosis, Cortical, Congenital. Identifiers: Orphanet 1310, MedGen C0020497, MONDO:0007244, OMIM 114000.
Ehlers-Danlos syndrome, arthrochalasia type. Also called: ARTHROCHALASIS MULTIPLEX CONGENITA; EDS VII, MUTANT PROCOLLAGEN TYPE; EDS VIIA; Ehlers-Danlos syndrome, arthrochalasis type; Ehlers-Danlos syndrome, arthrochalasia type, 1. Identifiers: Orphanet 1899, Orphanet 99875, Orphanet 99876, MedGen C4551623, MONDO:0007525, OMIM 130060.
Combined osteogenesis imperfecta and Ehlers-Danlos syndrome 1. Also called: OIEDS SYNDROME 1. Identifiers: MedGen C5436842, MONDO:0030854, OMIM 619115.

Submission:

Clinical Genomics Laboratory, Washington University in St. Louis
Classification: Uncertain significance for Ehlers-Danlos syndrome, arthrochalasia type; Combined osteogenesis imperfecta and Ehlers-Danlos syndrome 1; Infantile cortical hyperostosis. Last evaluated: 2026-05-06. Review status: criteria provided, single submitter. Criteria: ACMG Guidelines, 2015. Collection method: clinical testing. Allele origin: germline.
Comment: The COL1A1 c.374C>G (p.Pro125Arg) variant, to our knowledge, has not been reported in the medical literature. This variant is absent from the general population (gnomAD v2.1.1), indicating it is not a common variant. Computational predictors indicate that the variant is damaging, evidence that correlates with impact to COL1A1 function. Due to limited information, and based on ACMG/AMP guidelines for variant interpretation (Richards S et al., PMID: 25741868), the clinical significance of this variant is uncertain at this time.